The following is an entry in ClinVar:

NM_018706.7(DHTKD1):c.1630G>C (p.Glu544Gln)

Gene: DHTKD1 (dehydrogenase E1 and transketolase domain containing 1; plus strand). Cytogenetic location: 10p14.
Variant type: single nucleotide variant.
Coding change: c.1630G>C on transcript NM_018706.7 (MANE Select); coding-DNA position 1630, G replaced by C.
Protein change: p.Glu544Gln; replaces glutamic acid 544 with glutamine.
Molecular consequence: missense variant.
Genome position (GRCh38, 1-based): chr10:12,097,955, G>C. VCF-style: chr10-12097955-G-C. GRCh37 (hg19) VCF-style: chr10-12139954-G-C.
Other names: short protein forms E544Q.
Identifiers: ClinVar variation 2005255 (VCV002005255.4), dbSNP rs1193723684, ClinGen allele CA376021697.

ClinVar aggregate classification (germline): Uncertain significance (1 of 4 stars; one submission).

Conditions:
2-aminoadipic 2-oxoadipic aciduria (AAKAD). Also called: Aminoadipic aciduria; ALPHA-AMINOADIPIC AND ALPHA-KETOADIPIC ACIDURIA. Identifiers: Orphanet 79154, MedGen C1859817, MONDO:0008774, OMIM 204750.

Allele frequency attached by ClinVar (database versions not stated): gnomAD 0.00001.
gnomAD v4.1: 1 of 1,613,628 alleles (0.000062%); highest among the groups gnomAD compares: African/African-American, 0.0013%; no homozygotes.

Submission:

Labcorp Genetics (formerly Invitae), Labcorp
Classification: Uncertain significance for 2-aminoadipic 2-oxoadipic aciduria. Last evaluated: 2022-09-28. Review status: criteria provided, single submitter. Criteria: Invitae Variant Classification Sherloc (09022015). Collection method: clinical testing. Allele origin: germline.
Comment: In summary, the available evidence is currently insufficient to determine the role of this variant in disease. Therefore, it has been classified as a Variant of Uncertain Significance. Advanced modeling of protein sequence and biophysical properties (such as structural, functional, and spatial information, amino acid conservation, physicochemical variation, residue mobility, and thermodynamic stability) performed at Invitae indicates that this missense variant is not expected to disrupt DHTKD1 protein function. This variant has not been reported in the literature in individuals affected with DHTKD1-related conditions. This variant is not present in population databases (gnomAD no frequency). This sequence change replaces glutamic acid, which is acidic and polar, with glutamine, which is neutral and polar, at codon 544 of the DHTKD1 protein (p.Glu544Gln).